The following is an entry in ClinVar:

ClinVar aggregate classification (germline): Uncertain significance. Review status: criteria provided, multiple submitters, no conflicts (2 of 4 stars). 2 submissions from 2 submitters: Uncertain significance (2). Last evaluated 2025-02-10.

Conditions:
Dilated cardiomyopathy 1KK (CMD1KK). Identifiers: Orphanet 154, Orphanet 75249, MedGen C3714995, MONDO:0014100, OMIM 615248.

Allele frequency attached by ClinVar (database versions not stated): gnomAD exomes 0.00001; TOPMed 0.00001; gnomAD 0.00002.
gnomAD v4.1: 4 of 1,614,042 alleles (0.00025%); highest among the groups gnomAD compares: African/African-American, 0.004%; no homozygotes.

Submissions (2):

Women's Health and Genetics/Laboratory Corporation of America, LabCorp
Classification: Uncertain significance. Last evaluated: 2025-02-10. Review status: criteria provided, single submitter. Criteria: LabCorp Variant Classification Summary - May 2015. Collection method: clinical testing. Allele origin: germline.

Labcorp Genetics (formerly Invitae), Labcorp
Classification: Uncertain significance for Dilated cardiomyopathy 1KK. Last evaluated: 2022-03-18. Review status: criteria provided, single submitter. Criteria: Invitae Variant Classification Sherloc (09022015). Collection method: clinical testing. Allele origin: germline.
Comment: This variant has not been reported in the literature in individuals affected with MYPN-related conditions. ClinVar contains an entry for this variant (Variation ID: 849502). Algorithms developed to predict the effect of missense changes on protein structure and function (SIFT, PolyPhen-2, Align-GVGD) all suggest that this variant is likely to be tolerated. In summary, the available evidence is currently insufficient to determine the role of this variant in disease. Therefore, it has been classified as a Variant of Uncertain Significance. This sequence change replaces asparagine, which is neutral and polar, with lysine, which is basic and polar, at codon 601 of the MYPN protein (p.Asn601Lys). This variant is present in population databases (no rsID available, gnomAD 0.007%).

NM_032578.4(MYPN):c.1803C>A (p.Asn601Lys)

Gene: MYPN (myopalladin; plus strand). Cytogenetic location: 10q21.3.
Variant type: single nucleotide variant.
Coding change: c.1803C>A on transcript NM_032578.4 (MANE Select); coding-DNA position 1803, C replaced by A.
Protein change: p.Asn601Lys; replaces asparagine 601 with lysine.
Molecular consequence: missense variant. On other transcripts: non-coding transcript variant (2).
Genome position (GRCh38, 1-based): chr10:68,166,496, C>A. VCF-style: chr10-68166496-C-A. GRCh37 (hg19) VCF-style: chr10-69926253-C-A.
Other names: c.1803C>A, p.Asn601Lys (NM_001256267.2); c.921C>A, p.Asn307Lys (NM_001256268.2); short protein forms N307K, N601K.
Identifiers: ClinVar variation 849502 (VCV000849502.10), dbSNP rs1327960422, ClinGen allele CA376840262.